The following is an entry in ClinVar:

NM_007294.4(BRCA1):c.5476del (p.Gln1826fs)

Gene: BRCA1 (BRCA1 DNA repair associated; minus strand). Cytogenetic location: 17q21.31.
Variant type: Deletion.
Coding change: c.5476del on transcript NM_007294.4 (MANE Select); coding-DNA position 5476, one base deleted (C; older notation c.5476delC).
Protein change: p.Gln1826fs; shifts the reading frame from glutamine 1826.
Molecular consequence: frameshift variant. On other transcripts: non-coding transcript variant (1).
Genome position (GRCh38, 1-based): chr17:43,045,794, G deleted on the plus strand (C on the coding strand, the reverse complement: BRCA1 is on the minus strand). VCF-style (leftmost placement, unchanged base first): chr17-43045793-TG-T. GRCh37 (hg19) VCF-style: chr17-41197810-TG-T.
Other names: c.5263delC, p.Gln1755Argfs (NM_001407571.1, NM_001407894.1, NM_001407895.1 and 12 more transcripts); c.5542delC, p.Gln1848Argfs (NM_001407581.1, NM_001407582.1); c.5539delC, p.Gln1847Argfs (NM_001407583.1, NM_001407585.1, NM_001407587.1); c.5536delC, p.Gln1846Argfs (NM_001407590.1, NM_001407591.1); c.5476delC, p.Gln1826Argfs (NM_001407593.1, NM_001407594.1, NM_001407596.1 and 5 more transcripts); c.5473delC, p.Gln1825Argfs (NM_001407610.1, NM_001407611.1, NM_001407612.1 and 14 more transcripts); c.5470delC, p.Gln1824Argfs (NM_001407627.1, NM_001407628.1, NM_001407629.1 and 13 more transcripts); c.5467delC, p.Gln1823Argfs (NM_001407644.1, NM_001407645.1); and 86 more; short protein forms A697fs, Q1779fs, Q1826fs, Q1847fs, Q722fs.
Identifiers: ClinVar variation 1330093 (VCV001330093.4), dbSNP rs2152575457, ClinGen allele CA2573054433.
Genomic context (GRCh38, chr17:43,045,793, plus strand): 5'-TGGTAGAGTGCTACACTGTCCAACACCCACTCTCGGGTCACCACAGGTGCCTCACACATC[TG>T]CCCAATTGCTGGAGACAGAGAACACAAGCAGAGATTAGTGTCAATTCATTCTCCTGGACT-3'

ClinVar aggregate classification (germline): Pathogenic/Likely pathogenic. Review status: criteria provided, multiple submitters, no conflicts (2 of 4 stars). 2 submissions from 2 submitters: Pathogenic (1); Likely pathogenic (1). Last evaluated 2022-03-09.

Conditions:
Hereditary cancer-predisposing syndrome. Also called: Tumor predisposition; Neoplastic Syndromes, Hereditary; Hereditary Cancer Syndrome; Hereditary neoplastic syndrome. Identifiers: Orphanet 140162, MedGen C0027672, MeSH D009386, MONDO:0015356.

Submissions (2):

Ambry Genetics
Classification: Pathogenic for Hereditary cancer-predisposing syndrome. Last evaluated: 2022-03-09. Review status: criteria provided, single submitter. Criteria: Ambry Variant Classification Scheme 2023. Collection method: clinical testing. Allele origin: germline.
Comment: The c.5476delC pathogenic mutation, located in coding exon 22 of the BRCA1 gene, results from a deletion of one nucleotide at nucleotide position 5476, causing a translational frameshift with a predicted alternate stop codon (p.Q1826Rfs*8). This alteration occurs at the 3' terminus of theBRCA1 gene, is not expected to trigger nonsense-mediated mRNA decay, and only impacts the last 38 amino acids of the protein. However, premature stop codons are typically deleterious in nature and the impacted region is critical for protein function (Ambry internal data). This variant is considered to be rare based on population cohorts in the Genome Aggregation Database (gnomAD). Based on the supporting evidence, this alteration is interpreted as a disease-causing mutation.

Quest Diagnostics Nichols Institute San Juan Capistrano
Classification: Likely pathogenic. Last evaluated: 2021-03-19. Review status: criteria provided, single submitter. Criteria: Quest Diagnostics criteria. Collection method: clinical testing. Allele origin: unknown.
Comment: This frameshift variant alters the translational reading frame of the BRCA1 mRNA and is predicted to cause the premature termination of BRCA1 protein synthesis. To the best of our knowledge, the variant has not been reported in online databases or the published literature. This variant has not been reported in large, multi-ethnic general populations. Based on the available information, this variant is classified as likely pathogenic.